The following is an entry in ClinVar:

NM_032043.3(BRIP1):c.258T>A (p.Cys86Ter)

Gene: BRIP1 (BRCA1 interacting helicase 1; minus strand). Cytogenetic location: 17q23.2.
Variant type: single nucleotide variant.
Coding change: c.258T>A on transcript NM_032043.3 (MANE Select); coding-DNA position 258, T replaced by A.
Protein change: p.Cys86Ter; replaces cysteine 86 with a stop codon.
Molecular consequence: nonsense.
Genome position (GRCh38, 1-based): chr17:61,857,179, A>T on the plus strand (T>A on the coding strand, the complement: BRIP1 is on the minus strand). VCF-style: chr17-61857179-A-T. GRCh37 (hg19) VCF-style: chr17-59934540-A-T.
Other names: short protein forms C86*.
Identifiers: ClinVar variation 1315651 (VCV001315651.2), dbSNP rs2145829990, ClinGen allele CA400485517.

ClinVar aggregate classification (germline): Pathogenic (1 of 4 stars; one submission).

Submission:

GeneDx
Classification: Pathogenic. Last evaluated: 2022-12-01. Review status: criteria provided, single submitter. Criteria: GeneDx Variant Classification Process June 2021. Collection method: clinical testing. Allele origin: germline. Affected: yes.
Comment: Nonsense variant predicted to result in protein truncation or nonsense mediated decay in a gene for which loss-of-function is a known mechanism of disease; Not observed at significant frequency in large population cohorts (gnomAD); Has not been previously published as pathogenic or benign to our knowledge